The following is an entry in ClinVar:

NM_000996.4(RPL35A):c.204A>G (p.Arg68=)

Genes: DRC9 (dynein regulatory complex subunit 9; minus strand), RPL35A (ribosomal protein L35a; plus strand). Cytogenetic location: 3q29.
Variant type: single nucleotide variant.
Coding change: c.204A>G on transcript NM_000996.4 (MANE Select); coding-DNA position 204, A replaced by G.
Protein change: p.Arg68=; no amino-acid change (arginine 68 retained).
Molecular consequence: synonymous variant. On other transcripts: intron variant (3).
Genome position (GRCh38, 1-based): chr3:197,954,042, A>G. VCF-style: chr3-197954042-A-G. GRCh37 (hg19) VCF-style: chr3-197680913-A-G.
Other names: c.204A>G, p.Arg68= (NM_001316311.2); c.-50+5487T>C (NM_001323028.2); c.-60+5487T>C (NM_032263.5); c.-375+5487T>C (NM_001323029.2).
Identifiers: ClinVar variation 2733035 (VCV002733035.5), dbSNP rs372573758, ClinGen allele CA2789209.

ClinVar aggregate classification (germline): Likely benign. Review status: criteria provided, single submitter (1 of 4 stars). 2 submissions from 2 submitters: Likely benign (1). 1 of the submissions does not count toward it. Last evaluated 2025-07-28.

Conditions:
Diamond-Blackfan anemia 5 (DBA5). Also called: RPL35A-Related Diamond-Blackfan Anemia. Identifiers: Orphanet 124, MedGen C2675859, MONDO:0012925, OMIM 612528.
RPL35A-related disorder. Also called: RPL35A-related condition.

Allele frequency attached by ClinVar (database versions not stated): gnomAD exomes 0.00001; ExAC 0.00002; gnomAD 0.00007; TOPMed 0.00008; ESP Exome Variant Server 0.00015.
gnomAD v4.1: 18 of 1,613,696 alleles (0.0011%); highest among the groups gnomAD compares: African/African-American, 0.021%; no homozygotes.

Submissions (2):

Labcorp Genetics (formerly Invitae), Labcorp
Classification: Likely benign for Diamond-Blackfan anemia 5. Last evaluated: 2025-07-28. Review status: criteria provided, single submitter. Criteria: Invitae Variant Classification Sherloc (09022015). Collection method: clinical testing. Allele origin: germline.

PreventionGenetics, part of Exact Sciences
Classification: Likely benign for RPL35A-related condition. Last evaluated: 2019-04-30. Review status: no assertion criteria provided. Collection method: clinical testing. Allele origin: germline. Not counted in ClinVar's aggregate classification.
Comment: This variant is classified as likely benign based on ACMG/AMP sequence variant interpretation guidelines (Richards et al. 2015 PMID: 25741868, with internal and published modifications).